The following is an entry in ClinVar:

ClinVar aggregate classification (germline): Uncertain significance (1 of 4 stars; one submission).

Conditions:
Autoimmune lymphoproliferative syndrome type 1. Also called: AUTOIMMUNE LYMPHOPROLIFERATIVE SYNDROME, TYPE I, AUTOSOMAL DOMINANT. Identifiers: Orphanet 3261, MedGen C2717884, MONDO:0011158, OMIM 601859.

gnomAD v4.1: 1 of 1,605,668 alleles (0.000062%); highest among the groups gnomAD compares: Admixed American, 0.0017%; no homozygotes.

Submission:

Labcorp Genetics (formerly Invitae), Labcorp
Classification: Uncertain significance for Autoimmune lymphoproliferative syndrome. Last evaluated: 2024-05-31. Review status: criteria provided, single submitter. Criteria: Invitae Variant Classification Sherloc (09022015). Collection method: clinical testing. Allele origin: germline.
Comment: This sequence change falls in intron 7 of the FAS gene. It does not directly change the encoded amino acid sequence of the FAS protein. This variant is present in population databases (rs749471370, gnomAD 0.003%). This variant has not been reported in the literature in individuals affected with FAS-related conditions. Algorithms developed to predict the effect of sequence changes on RNA splicing suggest that this variant may disrupt the consensus splice site. In summary, the available evidence is currently insufficient to determine the role of this variant in disease. Therefore, it has been classified as a Variant of Uncertain Significance.

NM_000043.6(FAS):c.651+7A>G

Gene: FAS (Fas cell surface death receptor; plus strand). Cytogenetic location: 10q23.31.
Variant type: single nucleotide variant.
Coding change: c.651+7A>G on transcript NM_000043.6 (MANE Select); 7 bases into the intron after coding-DNA position 651, A replaced by G.
Molecular consequence: intron variant.
Genome position (GRCh38, 1-based): chr10:89,012,088, A>G. VCF-style: chr10-89012088-A-G. GRCh37 (hg19) VCF-style: chr10-90771845-A-G.
Other names: c.651+7A>G (NM_152872.4); c.569-1255A>G (NM_001320619.2); c.588+7A>G (NM_152871.4); c.696+7A>G (NM_001410956.1).
Identifiers: ClinVar variation 3655143 (VCV003655143.2).